The following is an entry in ClinVar:

ClinVar aggregate classification (germline): Conflicting classifications of pathogenicity. Review status: criteria provided, conflicting classifications (1 of 4 stars). 7 submissions from 7 submitters: Uncertain significance (6); Likely benign (1). Last evaluated 2026-01-20.

Conditions:
COL6A3-related disorder. Also called: COL6A3-related disorders; COL6A3-related condition.
Bethlem myopathy 1A. Also called: Bethlem myopathy 1; MYOPATHY, BENIGN CONGENITAL, WITH CONTRACTURES; Bethlem Muscular Dystrophy. Identifiers: Orphanet 610, MedGen CN029274, MONDO:0024530, OMIM 158810.

Allele frequency attached by ClinVar (database versions not stated): ExAC 0.00007; gnomAD 0.00007 and 0.00008; ESP Exome Variant Server 0.00008; gnomAD exomes 0.00008; TOPMed 0.00011.
gnomAD v4.1: 127 of 1,613,916 alleles (0.0079%); highest among the groups gnomAD compares: Non-Finnish European, 0.011%; no homozygotes.

Submissions (7):

Labcorp Genetics (formerly Invitae), Labcorp
Classification: Likely benign for Bethlem myopathy 1A. Last evaluated: 2026-01-20. Review status: criteria provided, single submitter. Criteria: Invitae Variant Classification Sherloc (09022015). Collection method: clinical testing. Allele origin: germline.

Mayo Clinic Laboratories, Mayo Clinic
Classification: Uncertain significance. Last evaluated: 2024-08-29. Review status: criteria provided, single submitter. Criteria: ACMG Guidelines, 2015. Collection method: clinical testing. Allele origin: germline. Observed: 2 variant alleles.
Comment: BP4

Blueprint Genetics
Classification: Uncertain significance. Last evaluated: 2024-08-06. Review status: criteria provided, single submitter. Criteria: ACMG Guidelines, 2015. Collection method: clinical testing. Allele origin: germline.

Revvity Omics, Revvity
Classification: Uncertain significance. Last evaluated: 2023-12-08. Review status: criteria provided, single submitter. Criteria: ACMG Guidelines, 2015. Collection method: clinical testing. Allele origin: germline.

PreventionGenetics, part of Exact Sciences
Classification: Uncertain significance for COL6A3-related condition. Last evaluated: 2023-01-26. Review status: criteria provided, single submitter. Criteria: ACMG Guidelines, 2015. Collection method: clinical testing. Allele origin: germline.
Comment: The COL6A3 c.9358A>C variant is predicted to result in the amino acid substitution p.Thr3120Pro. This variant has been reported in the heterozygous state in two patients with dystonia (Table S6, Zech et al. 2015. PubMed ID: 26004199). This variant is reported in 0.016% of alleles in individuals of European (Non-Finnish) descent in gnomAD. At this time, the clinical significance of this variant is uncertain due to the absence of conclusive functional and genetic evidence.

CeGaT Center for Human Genetics Tuebingen
Classification: Uncertain significance. Last evaluated: 2022-11-01. Review status: criteria provided, single submitter. Criteria: CeGaT Center For Human Genetics Tuebingen Variant Classification Criteria Version 2. Collection method: clinical testing. Allele origin: germline. Affected: yes. Observed: 1 variant allele.
Comment: COL6A3: PM2, BP4

Eurofins Ntd Llc (ga)
Classification: Uncertain significance. Last evaluated: 2015-11-05. Review status: criteria provided, single submitter. Criteria: EGL Classification Definitions 2015. Collection method: clinical testing. Allele origin: germline. Observed: 3 variant alleles, 3 heterozygotes.

Literature cited by the submitters: PubMed 26004199 (cited by Mayo Clinic Laboratories, Mayo Clinic); PubMed 26566670 (cited by Mayo Clinic Laboratories, Mayo Clinic).

NM_004369.4(COL6A3):c.9358A>C (p.Thr3120Pro)

Genes: COL6A3 (collagen type VI alpha 3 chain; minus strand), LOC126806573 (CDK7 strongly-dependent group 2 enhancer GRCh37_chr2:238233151-238234350; plus strand). Cytogenetic location: 2q37.3.
Variant type: single nucleotide variant.
Coding change: c.9358A>C on transcript NM_004369.4 (MANE Select); coding-DNA position 9358, A replaced by C.
Protein change: p.Thr3120Pro; replaces threonine 3120 with proline.
Molecular consequence: missense variant.
Genome position (GRCh38, 1-based): chr2:237,325,695, T>G on the plus strand (A>C on the coding strand, the complement: COL6A3 is on the minus strand). VCF-style: chr2-237325695-T-G. GRCh37 (hg19) VCF-style: chr2-238234338-T-G.
Other names: p.Thr3120Pro; c.7537A>C, p.Thr2513Pro (NM_057166.5); c.8740A>C, p.Thr2914Pro (NM_057167.4); short protein forms T3120P, T2513P, T2914P.
Identifiers: ClinVar variation 283257 (VCV000283257.40), dbSNP rs141050617, ClinGen allele CA2187284.